The following is an entry in ClinVar:

ClinVar aggregate classification (germline): Conflicting classifications of pathogenicity. Review status: criteria provided, conflicting classifications (1 of 4 stars). 4 submissions from 4 submitters: Uncertain significance (1); Likely benign (2). 1 of the submissions does not count toward it. Last evaluated 2026-01-14.

Conditions:
Autoimmune lymphoproliferative syndrome type 2A (ALPS2A). Also called: CASP10-Related Autoimmune Lymphoproliferative Syndrome; AUTOIMMUNE LYMPHOPROLIFERATIVE SYNDROME, TYPE IIA; Autoimmune lymphoproliferative syndrome type 2. Identifiers: Orphanet 3261, MedGen C1858968, MONDO:0011383, OMIM 603909.

Allele frequency attached by ClinVar (database versions not stated): ExAC 0.00002; gnomAD exomes 0.00003; TOPMed 0.00003; gnomAD 0.00004 and 0.00005; 1000 Genomes Project 30x 0.00016; 1000 Genomes Project 0.00020.
gnomAD v4.1: 50 of 1,614,150 alleles (0.0031%); highest among the groups gnomAD compares: East Asian, 0.027%; no homozygotes.

Submissions (4):

Labcorp Genetics (formerly Invitae), Labcorp
Classification: Uncertain significance for Autoimmune lymphoproliferative syndrome type 2A. Last evaluated: 2026-01-14. Review status: criteria provided, single submitter. Criteria: Invitae Variant Classification Sherloc (09022015). Collection method: clinical testing. Allele origin: germline.
Comment: This sequence change replaces arginine, which is basic and polar, with glutamine, which is neutral and polar, at codon 489 of the CASP10 protein (p.Arg489Gln). This variant is present in population databases (rs535121774, gnomAD 0.01%). This variant has not been reported in the literature in individuals affected with CASP10-related conditions. ClinVar contains an entry for this variant (Variation ID: 333440). Invitae Evidence Modeling of protein sequence and biophysical properties (such as structural, functional, and spatial information, amino acid conservation, physicochemical variation, residue mobility, and thermodynamic stability) indicates that this missense variant is not expected to disrupt CASP10 protein function with a negative predictive value of 80%. Algorithms developed to predict the effect of sequence changes on RNA splicing suggest that this variant may create or strengthen a splice site. In summary, the available evidence is currently insufficient to determine the role of this variant in disease. Therefore, it has been classified as a Variant of Uncertain Significance.

Ambry Genetics
Classification: Likely benign. Last evaluated: 2025-08-27. Review status: criteria provided, single submitter. Criteria: Ambry Variant Classification Scheme 2023. Collection method: clinical testing. Allele origin: germline.

Illumina Laboratory Services, Illumina
Classification: Likely benign for Autoimmune lymphoproliferative syndrome type 2A. Last evaluated: 2018-01-13. Review status: criteria provided, single submitter. Criteria: ICSL Variant Classification Criteria 13 December 2019. Collection method: clinical testing. Allele origin: germline.
Comment: This variant was observed in the ICSL laboratory as part of a predisposition screen in an ostensibly healthy population. It had not been previously curated by ICSL or reported in the Human Gene Mutation Database (HGMD: prior to June 1st, 2018), and was therefore a candidate for classification through an automated scoring system. Utilizing variant allele frequency, disease prevalence and penetrance estimates, and inheritance mode, an automated score was calculated to assess if this variant is too frequent to cause the disease. Based on the score and internal cut-off values, a variant classified as likely benign is not then subjected to further curation. The score for this variant resulted in a classification of likely benign for this disease.

Genetic Services Laboratory, University of Chicago
Classification: Uncertain significance. Last evaluated: 2022-07-14. Review status: no assertion criteria provided. Collection method: clinical testing. Allele origin: germline. Affected: no. Not counted in ClinVar's aggregate classification.
Comment: DNA sequence analysis of the CASP10 gene demonstrated a sequence change, c.1466G>A, in exon 10 that results in an amino acid change, p.Arg489Gln. This sequence change does not appear to have been previously described in individuals with CASP10-related disorders. This sequence change has been described in the gnomAD database with a global frequency of 0.003% (dbSNP rs535121774). The p.Arg489Gln change affects a poorly conserved amino acid residue located in a domain of the CASP10 protein that is known to be functional. The p.Arg489Gln substitution appears to be benign using several in-silico pathogenicity prediction tools (SIFT, PolyPhen2, Align GVGD, REVEL). Due to insufficient evidences and the lack of functional studies, the clinical significance of the p.Arg489Gln change remains unknown at this time.

NM_032977.4(CASP10):c.1466G>A (p.Arg489Gln)

Gene: CASP10 (caspase 10; plus strand). Cytogenetic location: 2q33.1.
Variant type: single nucleotide variant.
Coding change: c.1466G>A on transcript NM_032977.4 (MANE Select); coding-DNA position 1466, G replaced by A.
Protein change: p.Arg489Gln; replaces arginine 489 with glutamine.
Molecular consequence: missense variant. On other transcripts: 3 prime UTR variant (1), intron variant (2).
Genome position (GRCh38, 1-based): chr2:201,217,638, G>A. VCF-style: chr2-201217638-G-A. GRCh37 (hg19) VCF-style: chr2-202082361-G-A.
Other names: c.1265G>A, p.Arg422Gln (NM_001206524.2); c.1337G>A, p.Arg446Gln (NM_001230.5); c.*552G>A (NM_032976.4); c.1415+8076G>A (NM_032974.5); c.1286+8076G>A (NM_001206542.2); short protein forms R489Q, R446Q, R422Q.
Identifiers: ClinVar variation 333440 (VCV000333440.21), dbSNP rs535121774, ClinGen allele CA2053279.